The following is an entry in ClinVar:

ClinVar aggregate classification (germline): Likely benign. Review status: criteria provided, multiple submitters, no conflicts (2 of 4 stars). 4 submissions from 4 submitters: Likely benign (4). Last evaluated 2025-02-03.

Conditions:
VCAN-related disorder. Also called: VCAN-related condition.

Allele frequency attached by ClinVar (database versions not stated): gnomAD exomes 0.00002; gnomAD 0.00003; TOPMed 0.00003.
gnomAD v4.1: 44 of 1,613,780 alleles (0.0027%); highest among the groups gnomAD compares: East Asian, 0.011%; no homozygotes.

Submissions (4):

PreventionGenetics, part of Exact Sciences
Classification: Likely benign for VCAN-related condition. Last evaluated: 2025-02-03. Review status: criteria provided, single submitter. Criteria: ACMG Guidelines, 2015. Collection method: clinical testing. Allele origin: germline.
Comment: This variant is classified as likely benign based on ACMG/AMP sequence variant interpretation guidelines (Richards et al. 2015 PMID: 25741868, with internal and published modifications).

Labcorp Genetics (formerly Invitae), Labcorp
Classification: Likely benign. Last evaluated: 2024-11-19. Review status: criteria provided, single submitter. Criteria: Invitae Variant Classification Sherloc (09022015). Collection method: clinical testing. Allele origin: germline.

Blueprint Genetics
Classification: Likely benign. Last evaluated: 2022-10-07. Review status: criteria provided, single submitter. Criteria: ACMG Guidelines, 2015. Collection method: clinical testing. Allele origin: germline.

Breakthrough Genomics
Classification: Likely benign. Review status: criteria provided, single submitter. Criteria: ACMG Guidelines, 2015. Collection method: not provided. Allele origin: germline. Inheritance: Autosomal dominant inheritance. Affected: yes.

NM_004385.5(VCAN):c.5586C>T (p.Ala1862=)

Genes: VCAN (versican; plus strand), VCAN-AS1 (VCAN antisense RNA 1; minus strand). Cytogenetic location: 5q14.3.
Variant type: single nucleotide variant.
Coding change: c.5586C>T on transcript NM_004385.5 (MANE Select); coding-DNA position 5586, C replaced by T.
Protein change: p.Ala1862=; no amino-acid change (alanine 1862 retained).
Molecular consequence: synonymous variant. On other transcripts: intron variant (2).
Genome position (GRCh38, 1-based): chr5:83,538,589, C>T. VCF-style: chr5-83538589-C-T. GRCh37 (hg19) VCF-style: chr5-82834408-C-T.
Other names: c.2625C>T, p.Ala875= (NM_001164097.2); c.4004-6948C>T (NM_001164098.2); c.1043-6948C>T (NM_001126336.3); c.5586C>T (NM_004385.4).
Identifiers: ClinVar variation 1651343 (VCV001651343.11), dbSNP rs1280546067, ClinGen allele CA445398512.